The following is an entry in ClinVar:

ClinVar aggregate classification (germline): Conflicting classifications of pathogenicity. Review status: criteria provided, conflicting classifications (1 of 4 stars). 6 submissions from 4 submitters: Uncertain significance (3); Benign (2); Likely benign (1). Last evaluated 2025-09-30.

Conditions:
Inborn genetic diseases. Identifiers: MedGen C0950123, MeSH D030342.
Neuropathy, hereditary sensory and autonomic, type 2A (HSAN2A). Also called: MORVAN DISEASE; NEUROPATHY, CONGENITAL SENSORY; NEUROPATHY, HEREDITARY SENSORY RADICULAR, AUTOSOMAL RECESSIVE; NEUROPATHY, HEREDITARY SENSORY, TYPE IIA; NEUROPATHY, PROGRESSIVE SENSORY, OF CHILDREN; HSAN IIA. Identifiers: Orphanet 970, MedGen C2752089, MONDO:0024309, OMIM 201300.
Generalized epilepsy with febrile seizures plus, type 7 (GEFSP7). Also called: GEFS+, TYPE 7. Identifiers: Orphanet 36387, MedGen C2751778, MONDO:0013470, OMIM 613863.
Paroxysmal extreme pain disorder (PEXPD). Also called: PAIN, SUBMANDIBULAR, OCULAR, AND RECTAL, WITH FLUSHING; RECTAL PAIN, FAMILIAL; SCN9A Paroxysmal Extreme Pain Disorder (SCN9A-PEPD). Identifiers: Orphanet 46348, MedGen C1833661, MONDO:0008179, OMIM 167400.
Channelopathy-associated congenital insensitivity to pain, autosomal recessive. Also called: Insensitivity to pain, channelopathy-associated; ASYMBOLIA FOR PAIN; CONGENITAL ANALGESIA, AUTOSOMAL RECESSIVE. Identifiers: Orphanet 88642, Orphanet 970, MedGen C1855739, MONDO:0009459, OMIM 243000.
Primary erythromelalgia. Also called: SCN9A Erythromelalgia (SCN9A-EM); primary erythermalgia. Identifiers: Orphanet 306577, Orphanet 90026, MedGen C0014805, MONDO:0007571, OMIM 133020.

Allele frequency attached by ClinVar (database versions not stated): gnomAD 0.00001 and 0.00007; TOPMed 0.00003; gnomAD exomes 0.00012 and 0.00024; ExAC 0.00030; 1000 Genomes Project 0.00040; 1000 Genomes Project 30x 0.00047.
gnomAD v4.1: 185 of 1,613,732 alleles (0.011%); highest among the groups gnomAD compares: South Asian, 0.19%; 1 homozygote.

Submissions (6):

Labcorp Genetics (formerly Invitae), Labcorp
Classification: Likely benign for Neuropathy, hereditary sensory and autonomic, type 2A; Generalized epilepsy with febrile seizures plus, type 7. Last evaluated: 2025-09-30. Review status: criteria provided, single submitter. Criteria: Invitae Variant Classification Sherloc (09022015). Collection method: clinical testing. Allele origin: germline.

GeneDx
Classification: Uncertain significance. Last evaluated: 2024-06-13. Review status: criteria provided, single submitter. Criteria: GeneDx Variant Classification Process June 2021. Collection method: clinical testing. Allele origin: germline. Affected: yes.
Comment: In silico analysis supports that this missense variant has a deleterious effect on protein structure/function; Has not been previously published as pathogenic or benign to our knowledge

Ambry Genetics
Classification: Uncertain significance for Inborn genetic diseases. Last evaluated: 2024-05-20. Review status: criteria provided, single submitter. Criteria: Ambry Variant Classification Scheme 2023. Collection method: clinical testing. Allele origin: germline.

Illumina Laboratory Services, Illumina
Classification: Benign for Paroxysmal extreme pain disorder. Last evaluated: 2018-01-13. Review status: criteria provided, single submitter. Criteria: ICSL Variant Classification Criteria 13 December 2019. Collection method: clinical testing. Allele origin: germline.
Comment: This variant was observed in the ICSL laboratory as part of a predisposition screen in an ostensibly healthy population. It had not been previously curated by ICSL or reported in the Human Gene Mutation Database (HGMD: prior to June 1st, 2018), and was therefore a candidate for classification through an automated scoring system. Utilizing variant allele frequency, disease prevalence and penetrance estimates, and inheritance mode, an automated score was calculated to assess if this variant is too frequent to cause the disease. Based on the score and internal cut-off values, a variant classified as benign is not then subjected to further curation. The score for this variant resulted in a classification of benign for this disease.

Illumina Laboratory Services, Illumina
Classification: Uncertain significance for Channelopathy-associated congenital insensitivity to pain, autosomal recessive. Last evaluated: 2018-01-13. Review status: criteria provided, single submitter. Criteria: ICSL Variant Classification Criteria 13 December 2019. Collection method: clinical testing. Allele origin: germline.

Illumina Laboratory Services, Illumina
Classification: Benign for Primary erythromelalgia. Last evaluated: 2018-01-13. Review status: criteria provided, single submitter. Criteria: ICSL Variant Classification Criteria 13 December 2019. Collection method: clinical testing. Allele origin: germline.
Comment: the same text as in the submission from Illumina Laboratory Services, Illumina above.

NM_001365536.1(SCN9A):c.2852T>C (p.Val951Ala)

Genes: SCN1A-AS1 (SCN1A and SCN9A antisense RNA 1; plus strand), SCN9A (sodium voltage-gated channel alpha subunit 9; minus strand). Cytogenetic location: 2q24.3.
Variant type: single nucleotide variant.
Coding change: c.2852T>C on transcript NM_001365536.1 (MANE Select); coding-DNA position 2852, T replaced by C.
Protein change: p.Val951Ala; replaces valine 951 with alanine.
Molecular consequence: missense variant.
Genome position (GRCh38, 1-based): chr2:166,277,005, A>G on the plus strand (T>C on the coding strand, the complement: SCN9A is on the minus strand). VCF-style: chr2-166277005-A-G. GRCh37 (hg19) VCF-style: chr2-167133515-A-G.
Other names: c.2819T>C, p.Val940Ala (NM_002977.4); short protein forms V940A, V951A.
Identifiers: ClinVar variation 331979 (VCV000331979.18), dbSNP rs201890077, ClinGen allele CA1944195.